The following is an entry in ClinVar:

ClinVar aggregate classification (germline): Likely benign (0 of 4 stars; one submission).

Conditions:
SV2C-related disorder. Also called: SV2C-related condition.

Allele frequency attached by ClinVar (database versions not stated): gnomAD 0.00005; 1000 Genomes Project 0.00020; TOPMed 0.00006; ExAC 0.00011; 1000 Genomes Project 30x 0.00016.
gnomAD v4.1: 98 of 1,614,108 alleles (0.0061%); highest among the groups gnomAD compares: Middle Eastern, 0.033%; no homozygotes.

Submission:

PreventionGenetics, part of Exact Sciences
Classification: Likely benign for SV2C-related condition. Last evaluated: 2019-04-02. Review status: no assertion criteria provided. Collection method: clinical testing. Allele origin: germline.
Comment: This variant is classified as likely benign based on ACMG/AMP sequence variant interpretation guidelines (Richards et al. 2015 PMID: 25741868, with internal and published modifications).

NM_014979.4(SV2C):c.2028G>A (p.Ala676=)

Gene: SV2C (synaptic vesicle glycoprotein 2C; plus strand). Cytogenetic location: 5q13.3.
Variant type: single nucleotide variant.
Coding change: c.2028G>A on transcript NM_014979.4 (MANE Select); coding-DNA position 2028, G replaced by A.
Protein change: p.Ala676=; no amino-acid change (alanine 676 retained).
Molecular consequence: synonymous variant. On other transcripts: intron variant (1).
Genome position (GRCh38, 1-based): chr5:76,325,391, G>A. VCF-style: chr5-76325391-G-A. GRCh37 (hg19) VCF-style: chr5-75621216-G-A.
Other names: c.2000+23846G>A (NM_001297716.2).
Identifiers: ClinVar variation 3058197 (VCV003058197.2), dbSNP rs183714782, ClinGen allele CA3311434.